The following is an entry in ClinVar:

NC_000005.10:g.263399G>A

Gene: SDHA (succinate dehydrogenase complex flavoprotein subunit A; plus strand). Cytogenetic location: 5p15.33.
Variant type: single nucleotide variant.
Genome position: GRCh38 VCF-style: chr5-263399-G-A. GRCh37 (hg19) VCF-style: chr5-263514-G-A.
Identifiers: ClinVar variation 2655241 (VCV002655241.24), dbSNP rs570595416, ClinGen allele CA112786297.

ClinVar aggregate classification (germline): Benign (1 of 4 stars; one submission).

Allele frequency attached by ClinVar (database versions not stated): 1000 Genomes Project 0.00240; gnomAD 0.00298; 1000 Genomes Project 30x 0.00422.
gnomAD v4.1: 446 of 152,240 alleles (0.29%); highest among the groups gnomAD compares: Middle Eastern, 1.4%; 3 homozygotes.

Submission:

CeGaT Center for Human Genetics Tuebingen
Classification: Benign. Last evaluated: 2023-06-01. Review status: criteria provided, single submitter. Criteria: CeGaT Center For Human Genetics Tuebingen Variant Classification Criteria Version 2. Collection method: clinical testing. Allele origin: germline. Affected: yes. Observed: 1 variant allele.
Comment: SDHA: BS1, BS2